The following is an entry in ClinVar:

ClinVar aggregate classification (germline): Uncertain significance (1 of 4 stars; one submission).

Allele frequency attached by ClinVar (database versions not stated): gnomAD 0.00001; TOPMed 0.00002; gnomAD exomes 0.00005.
gnomAD v4.1: 94 of 1,614,068 alleles (0.0058%); highest among the groups gnomAD compares: Non-Finnish European, 0.0066%; no homozygotes.

Submission:

Labcorp Genetics (formerly Invitae), Labcorp
Classification: Uncertain significance. Last evaluated: 2022-08-22. Review status: criteria provided, single submitter. Criteria: Invitae Variant Classification Sherloc (09022015). Collection method: clinical testing. Allele origin: germline.
Comment: This sequence change replaces leucine, which is neutral and non-polar, with phenylalanine, which is neutral and non-polar, at codon 322 of the IFT52 protein (p.Leu322Phe). This variant is present in population databases (rs199744355, gnomAD 0.007%). This variant has not been reported in the literature in individuals affected with IFT52-related conditions. Algorithms developed to predict the effect of missense changes on protein structure and function are either unavailable or do not agree on the potential impact of this missense change (SIFT: "Not Available"; PolyPhen-2: "Probably Damaging"; Align-GVGD: "Not Available"). In summary, the available evidence is currently insufficient to determine the role of this variant in disease. Therefore, it has been classified as a Variant of Uncertain Significance.

NM_016004.5(IFT52):c.964C>T (p.Leu322Phe)

Gene: IFT52 (intraflagellar transport 52; plus strand). Cytogenetic location: 20q13.12.
Variant type: single nucleotide variant.
Coding change: c.964C>T on transcript NM_016004.5 (MANE Select); coding-DNA position 964, C replaced by T.
Protein change: p.Leu322Phe; replaces leucine 322 with phenylalanine.
Molecular consequence: missense variant.
Genome position (GRCh38, 1-based): chr20:43,635,966, C>T. VCF-style: chr20-43635966-C-T. GRCh37 (hg19) VCF-style: chr20-42264606-C-T.
Other names: c.964C>T, p.Leu322Phe (NM_001303458.3, NM_001303459.3); c.436C>T, p.Leu146Phe (NM_001323578.2, NM_001323580.2); c.313C>T, p.Leu105Phe (NM_001323579.2, NM_001323581.2); short protein forms L146F, L105F, L322F.
Identifiers: ClinVar variation 1982800 (VCV001982800.3), dbSNP rs199744355, ClinGen allele CA314578339.
Genomic context (GRCh38, chr20:43,635,966, plus strand): 5'-TTGTTTGATTATGAACACAGGGCTCACGAGCAGCTAAATGTGAAACATGAACCACTCCAG[C>T]TCATCCAGCCTCAGTTTGAGACGCCGCTGCCAACCCTTCAGCCTGCGGTGAGTAGGTGTG-3'
Protein context (NP_057088.2, residues 312-332): QLNVKHEPLQ[Leu322Phe]IQPQFETPLP